The following is an entry in ClinVar:

ClinVar aggregate classification (germline): Likely benign (1 of 4 stars; one submission).

gnomAD v4.1: 225 of 1,612,404 alleles (0.014%); highest among the groups gnomAD compares: East Asian, 0.4%; no homozygotes.

Submission:

CeGaT Center for Human Genetics Tuebingen
Classification: Likely benign. Last evaluated: 2026-07-01. Review status: criteria provided, single submitter. Criteria: CeGaT Center For Human Genetics Tuebingen Variant Classification Criteria Version 2. Collection method: clinical testing. Allele origin: germline. Affected: yes. Observed: 1 variant allele.
Comment: DAGLA: BP4, BP7

NM_006133.3(DAGLA):c.756C>T (p.Asn252=)

Gene: DAGLA (diacylglycerol lipase alpha; plus strand). Cytogenetic location: 11q12.2.
Variant type: single nucleotide variant.
Coding change: c.756C>T on transcript NM_006133.3 (MANE Select); coding-DNA position 756, C replaced by T.
Protein change: p.Asn252=; no amino-acid change (asparagine 252 retained).
Molecular consequence: synonymous variant.
Genome position (GRCh38, 1-based): chr11:61,728,272, C>T. VCF-style: chr11-61728272-C-T. GRCh37 (hg19) VCF-style: chr11-61495744-C-T.
Identifiers: ClinVar variation 5039265 (VCV005039265.1).
Genomic context (GRCh38, chr11:61,728,272, plus strand): 5'-GCCATCCGACATCATTGCTGGCCTGGTGCTGCTCCGGCAGCGGCAGCGGGCCAAGCGCAA[C>T]GCCGTGCTGGACGAGGTGAGCACCACCAGCCCCTTCTCCAGGTCACCTCTCCACACCACC-3'
Protein context (NP_006124.1, residues 242-262): LLRQRQRAKR[Asn252=]AVLDEANNDI